The following is an entry in ClinVar:

NM_005802.5(TOPORS):c.2531C>T (p.Ser844Leu)

Gene: TOPORS (TOP1 binding arginine/serine rich protein, E3 ubiquitin ligase; minus strand). Cytogenetic location: 9p21.1.
Variant type: single nucleotide variant.
Coding change: c.2531C>T on transcript NM_005802.5 (MANE Select); coding-DNA position 2531, C replaced by T.
Protein change: p.Ser844Leu; replaces serine 844 with leucine.
Molecular consequence: missense variant.
Genome position (GRCh38, 1-based): chr9:32,541,994, G>A on the plus strand (C>T on the coding strand, the complement: TOPORS is on the minus strand). VCF-style: chr9-32541994-G-A. GRCh37 (hg19) VCF-style: chr9-32541992-G-A.
Other names: c.2336C>T, p.Ser779Leu (NM_001195622.2); short protein forms S779L, S844L.
Identifiers: ClinVar variation 3613700 (VCV003613700.3).
Genomic context (GRCh38, chr9:32,541,994, plus strand): 5'-CTCCGGGTCTTCCTTTTTCTCCTTTTGTGTTTTGTCTCTCTGTCTGATGATCGGCTGTCT[G>A]AAAAGGTATCACTCTCATTTTTGTAGTTTCCATCCAATTTTGATGAAGATTTTTGGTAAT-3'
Protein context (NP_005793.2, residues 834-854): GNYKNESDTF[Ser844Leu]DSRSSDRETK

ClinVar aggregate classification (germline): Uncertain significance. Review status: criteria provided, multiple submitters, no conflicts (2 of 4 stars). 2 submissions from 2 submitters: Uncertain significance (2). Last evaluated 2024-04-01.

gnomAD v4.1: 7 of 1,613,956 alleles (0.00043%); highest among the groups gnomAD compares: Non-Finnish European, 0.00051%; no homozygotes.

Submissions (2):

Labcorp Genetics (formerly Invitae), Labcorp
Classification: Uncertain significance. Last evaluated: 2024-04-01. Review status: criteria provided, single submitter. Criteria: Invitae Variant Classification Sherloc (09022015). Collection method: clinical testing. Allele origin: germline.
Comment: This sequence change replaces serine, which is neutral and polar, with leucine, which is neutral and non-polar, at codon 844 of the TOPORS protein (p.Ser844Leu). This variant is present in population databases (no rsID available, gnomAD 0.002%). This variant has not been reported in the literature in individuals affected with TOPORS-related conditions. Experimental studies and prediction algorithms are not available or were not evaluated, and the functional significance of this variant is currently unknown. In summary, the available evidence is currently insufficient to determine the role of this variant in disease. Therefore, it has been classified as a Variant of Uncertain Significance.

Blueprint Genetics
Classification: Uncertain significance. Last evaluated: 2020-02-10. Review status: criteria provided, single submitter. Criteria: ACMG Guidelines, 2015. Collection method: clinical testing. Allele origin: germline.